The following is an entry in ClinVar:

NM_000156.6(GAMT):c.219C>T (p.Ile73=)

Gene: GAMT (guanidinoacetate N-methyltransferase; minus strand). Cytogenetic location: 19p13.3.
Variant type: single nucleotide variant.
Coding change: c.219C>T on transcript NM_000156.6 (MANE Select); coding-DNA position 219, C replaced by T.
Protein change: p.Ile73=; no amino-acid change (isoleucine 73 retained).
Molecular consequence: synonymous variant.
Genome position (GRCh38, 1-based): chr19:1,399,901, G>A on the plus strand (C>T on the coding strand, the complement: GAMT is on the minus strand). VCF-style: chr19-1399901-G-A. GRCh37 (hg19) VCF-style: chr19-1399900-G-A.
Other names: c.219C>T, p.Ile73= (NM_138924.3).
Identifiers: ClinVar variation 588825 (VCV000588825.20), dbSNP rs1417220310, ClinGen allele CA504730367.

ClinVar aggregate classification (germline): Likely benign. Review status: criteria provided, multiple submitters, no conflicts (2 of 4 stars). 4 submissions from 4 submitters: Likely benign (3). 1 of the submissions does not count toward it. Last evaluated 2023-11-15.

Conditions:
Cerebral creatine deficiency syndrome. Also called: Creatine deficiency syndromes. Identifiers: Orphanet 79172, MedGen C5244016, MONDO:0000456.
GAMT-related disorder. Also called: GAMT-related condition.
Inborn genetic diseases. Identifiers: MedGen C0950123, MeSH D030342.

Allele frequency attached by ClinVar (database versions not stated): gnomAD exomes 0.00001; TOPMed 0.00001; gnomAD 0.00002.
gnomAD v4.1: 18 of 1,608,706 alleles (0.0011%); highest among the groups gnomAD compares: African/African-American, 0.013%; no homozygotes.

Submissions (4):

Labcorp Genetics (formerly Invitae), Labcorp
Classification: Likely benign for Cerebral creatine deficiency syndrome. Last evaluated: 2023-11-15. Review status: criteria provided, single submitter. Criteria: Invitae Variant Classification Sherloc (09022015). Collection method: clinical testing. Allele origin: germline.

GeneDx
Classification: Likely benign. Last evaluated: 2021-03-25. Review status: criteria provided, single submitter. Criteria: GeneDx Variant Classification Process June 2021. Collection method: clinical testing. Allele origin: germline. Affected: yes.

Ambry Genetics
Classification: Likely benign for Inborn genetic diseases. Last evaluated: 2017-02-21. Review status: criteria provided, single submitter. Criteria: Ambry Variant Classification Scheme 2023. Collection method: clinical testing. Allele origin: germline.

PreventionGenetics, part of Exact Sciences
Classification: Likely benign for GAMT-related condition. Last evaluated: 2019-03-05. Review status: no assertion criteria provided. Collection method: clinical testing. Allele origin: germline. Not counted in ClinVar's aggregate classification.
Comment: This variant is classified as likely benign based on ACMG/AMP sequence variant interpretation guidelines (Richards et al. 2015 PMID: 25741868, with internal and published modifications).